The following is an entry in ClinVar:

ClinVar aggregate classification (germline): Uncertain significance (1 of 4 stars; one submission).

Submission:

Labcorp Genetics (formerly Invitae), Labcorp
Classification: Uncertain significance. Last evaluated: 2023-10-09. Review status: criteria provided, single submitter. Criteria: Invitae Variant Classification Sherloc (09022015). Collection method: clinical testing. Allele origin: germline.
Comment: This sequence change replaces glutamine, which is neutral and polar, with histidine, which is basic and polar, at codon 550 of the SLC4A1 protein (p.Gln550His). This variant is not present in population databases (gnomAD no frequency). This variant has not been reported in the literature in individuals affected with SLC4A1-related conditions. Advanced modeling of protein sequence and biophysical properties (such as structural, functional, and spatial information, amino acid conservation, physicochemical variation, residue mobility, and thermodynamic stability) performed at Invitae indicates that this missense variant is not expected to disrupt SLC4A1 protein function. In summary, the available evidence is currently insufficient to determine the role of this variant in disease. Therefore, it has been classified as a Variant of Uncertain Significance.

NM_000342.4(SLC4A1):c.1650G>C (p.Gln550His)

Gene: SLC4A1 (solute carrier family 4 member 1 (Diego blood group); minus strand). Cytogenetic location: 17q21.31.
Variant type: single nucleotide variant.
Coding change: c.1650G>C on transcript NM_000342.4 (MANE Select); coding-DNA position 1650, G replaced by C.
Protein change: p.Gln550His; replaces glutamine 550 with histidine.
Molecular consequence: missense variant.
Genome position (GRCh38, 1-based): chr17:44,255,823, C>G on the plus strand (G>C on the coding strand, the complement: SLC4A1 is on the minus strand). VCF-style: chr17-44255823-C-G. GRCh37 (hg19) VCF-style: chr17-42333191-C-G.
Other names: short protein forms Q550H.
Identifiers: ClinVar variation 2796946 (VCV002796946.3), dbSNP rs2509964316, ClinGen allele CA399784743.